The following is an entry in ClinVar:

NM_001130987.2(DYSF):c.4423C>T (p.Leu1475Phe)

Gene: DYSF (dysferlin; plus strand). Cytogenetic location: 2p13.2.
Variant type: single nucleotide variant.
Coding change: c.4423C>T on transcript NM_001130987.2 (MANE Select); coding-DNA position 4423, C replaced by T.
Protein change: p.Leu1475Phe; replaces leucine 1475 with phenylalanine.
Molecular consequence: missense variant.
Genome position (GRCh38, 1-based): chr2:71,613,369, C>T. VCF-style: chr2-71613369-C-T. GRCh37 (hg19) VCF-style: chr2-71840499-C-T.
Other names: c.4372C>T, p.Leu1458Phe (NM_001130455.2, NM_001130983.2); c.4327C>T, p.Leu1443Phe (NM_001130976.2, NM_001130977.2); c.4369C>T, p.Leu1457Phe (NM_001130978.2, NM_003494.4); c.4462C>T, p.Leu1488Phe (NM_001130979.2); c.4420C>T, p.Leu1474Phe (NM_001130980.2, NM_001130981.2); c.4465C>T, p.Leu1489Phe (NM_001130982.2); c.4330C>T, p.Leu1444Phe (NM_001130984.2, NM_001130986.2); c.4423C>T, p.Leu1475Phe (NM_001130985.2); short protein forms L1457F, L1458F, L1474F, L1475F, L1489F, L1444F, L1443F, L1488F.
Identifiers: ClinVar variation 665728 (VCV000665728.11), dbSNP rs367709130, ClinGen allele CA1707003.
Genomic context (GRCh38, chr2:71,613,369, plus strand): 5'-GCCTGGATGGCTCCCTCCCCTGCAGACGATGTGAGCCTACTCAGTCCTGGGGAAGACGTG[C>T]TCATCGACATTGATGACAAGGAGCCCCTCATCCCCATCCAGGTAGGATGGGCATCCTCCA-3'
Protein context (NP_001124459.1, residues 1465-1485): VSLLSPGEDV[Leu1475Phe]IDIDDKEPLI

ClinVar aggregate classification (germline): Conflicting classifications of pathogenicity. Review status: criteria provided, conflicting classifications (1 of 4 stars). 4 submissions from 4 submitters: Uncertain significance (2); Likely benign (1). 1 of the submissions does not count toward it. Last evaluated 2025-12-22.

Conditions:
Inborn genetic diseases. Identifiers: MedGen C0950123, MeSH D030342.
Autosomal recessive limb-girdle muscular dystrophy type 2B (LGMDR2). Also called: MUSCULAR DYSTROPHY, LIMB-GIRDLE, TYPE 3; MUSCULAR DYSTROPHY, LIMB-GIRDLE, AUTOSOMAL RECESSIVE 2; Limb-girdle muscular dystrophy, type 2B; Limb-Girdle Muscular Dystrophy Type 2B (LGMD2B). Identifiers: Orphanet 268, MedGen C1850889, MONDO:0009676, OMIM 253601.
Neuromuscular disease caused by qualitative or quantitative defects of dysferlin. Also called: Qualitative or quantitative defects of dysferlin; Dysferlinopathy. Identifiers: Orphanet 207073, MedGen C2931687, MONDO:0016145.

Allele frequency attached by ClinVar (database versions not stated): TOPMed 0.00002; ExAC 0.00003; gnomAD 0.00003; ESP Exome Variant Server 0.00008.
gnomAD v4.1: 135 of 1,613,548 alleles (0.0084%); highest among the groups gnomAD compares: Non-Finnish European, 0.011%; 1 homozygote.

Submissions (4):

Labcorp Genetics (formerly Invitae), Labcorp
Classification: Likely benign for Neuromuscular disease caused by qualitative or quantitative defects of dysferlin. Last evaluated: 2025-12-22. Review status: criteria provided, single submitter. Criteria: Invitae Variant Classification Sherloc (09022015). Collection method: clinical testing. Allele origin: germline.

GeneDx
Classification: Uncertain significance. Last evaluated: 2024-12-17. Review status: criteria provided, single submitter. Criteria: GeneDx Variant Classification Process June 2021. Collection method: clinical testing. Allele origin: germline. Affected: yes.
Comment: Not observed at significant frequency in large population cohorts (gnomAD); In silico analysis indicates that this missense variant does not alter protein structure/function; Has not been previously published as pathogenic or benign to our knowledge

Ambry Genetics
Classification: Uncertain significance for Inborn genetic diseases. Last evaluated: 2022-11-17. Review status: criteria provided, single submitter. Criteria: Ambry Variant Classification Scheme 2023. Collection method: clinical testing. Allele origin: germline.

Natera, Inc.
Classification: Uncertain significance for Limb-girdle muscular dystrophy type 2B. Last evaluated: 2020-09-16. Review status: no assertion criteria provided. Collection method: clinical testing. Allele origin: germline. Not counted in ClinVar's aggregate classification.